The following is an entry in ClinVar:

ClinVar aggregate classification (germline): Benign/Likely benign. Review status: criteria provided, multiple submitters, no conflicts (2 of 4 stars). 19 submissions from 14 submitters: Benign (14); Likely benign (2). 3 of the submissions do not count toward it. Last evaluated 2026-09-01.

Conditions:
Inborn genetic diseases. Identifiers: MedGen C0950123, MeSH D030342.
Connective tissue disorder. Also called: Connective tissue disease. Identifiers: MedGen C0009782, MONDO:0003900.
Charcot-Marie-Tooth disease. Also called: Charcot-Marie-Tooth Hereditary Neuropathy; Charcot-Marie-Tooth Neuropathy. Identifiers: Orphanet 166, MedGen C0007959, MONDO:0015626.
Metatropic dysplasia (MTD). Also called: Metatropic Dysplasia, TRPV4-Related; Metatropic dysplasia, nonlethal dominant; METATROPIC DWARFISM. Identifiers: Orphanet 2635, MedGen C0265281, MONDO:0007986, OMIM 156530.
Brachyrachia (short spine dysplasia) (BCYM3). Also called: Brachyolmia, TRPV4-Related; Brachyolmia Type 3; BRACHYRACHIA; Autosomal dominant brachyolmia. Identifiers: Orphanet 93304, MedGen C0432227, MONDO:0007232, OMIM 113500.
Scapuloperoneal spinal muscular atrophy (SPSMA). Also called: Scapuloperoneal Spinal Muscular Atrophy, TRPV4-Related; AMYOTROPHY, NEUROGENIC SCAPULOPERONEAL, NEW ENGLAND TYPE; Scapuloperoneal Form of Spinal Muscular Atrophy; Scapuloperoneal spinal muscular atrophy, autosomal dominant. Identifiers: Orphanet 431255, MedGen C0751335, MONDO:0008408, OMIM 181405.
Spondylometaphyseal dysplasia, Kozlowski type (SMDK). Also called: Spondylometaphyseal Dysplasia, TRPV4-Related (Kozlowski Type); Dysmorphism arthrogryposis skeletal maturation advanced; Jequier-Kozlowski syndrome; Skeletal dysplasia Jequier-Kozlowski type; SMD Kozlowski type. Identifiers: Orphanet 93314, MedGen C0265280, MONDO:0008477, OMIM 184252.
Charcot-Marie-Tooth disease axonal type 2C (HMSN2C). Also called: Charcot-Marie-Tooth Disease Type 2, TRPV4-Related (CMT2C); CHARCOT-MARIE-TOOTH DISEASE, AXONAL, AUTOSOMAL DOMINANT, TYPE 2C; Charcot-Marie-Tooth Neuropathy Type 2C. Identifiers: Orphanet 99937, MedGen C1853710, MONDO:0011633, OMIM 606071.
Neuronopathy, distal hereditary motor, autosomal dominant 8. Also called: SPINAL MUSCULAR ATROPHY, CONGENITAL BENIGN, WITH CONTRACTURES; NEURONOPATHY, DISTAL HEREDITARY MOTOR, TYPE VIII; NEUROPATHY, DISTAL HEREDITARY MOTOR, TYPE VIII; Autosomal dominant congenital benign spinal muscular atrophy. Identifiers: Orphanet 1216, MedGen C1838492, MONDO:0010839, OMIM 600175.

Allele frequency attached by ClinVar (database versions not stated): ESP Exome Variant Server 0.00361; gnomAD 0.00559 and 0.00582; gnomAD exomes 0.00674 and 0.00626; TOPMed 0.00349; 1000 Genomes Project 0.00300; 1000 Genomes Project 30x 0.00265; ExAC 0.00674.
gnomAD v4.1: 9,935 of 1,614,152 alleles (0.62%); highest among the groups gnomAD compares: Non-Finnish European, 0.6%; 57 homozygotes.

Submissions (19):

CeGaT Center for Human Genetics Tuebingen
Classification: Likely benign. Last evaluated: 2026-09-01. Review status: criteria provided, single submitter. Criteria: CeGaT Center For Human Genetics Tuebingen Variant Classification Criteria Version 2. Collection method: clinical testing. Allele origin: germline. Affected: yes. Observed: 26 variant alleles.
Comment: TRPV4: BP4, BP7, BS2

Labcorp Genetics (formerly Invitae), Labcorp
Classification: Benign for Charcot-Marie-Tooth disease axonal type 2C. Last evaluated: 2026-01-26. Review status: criteria provided, single submitter. Criteria: Invitae Variant Classification Sherloc (09022015). Collection method: clinical testing. Allele origin: germline.

ARUP Laboratories, Molecular Genetics and Genomics, ARUP Laboratories
Classification: Benign. Last evaluated: 2025-04-08. Review status: criteria provided, single submitter. Criteria: ARUP Molecular Germline Variant Investigation Process 2024. Collection method: clinical testing. Allele origin: germline.

Genome Diagnostics Laboratory, The Hospital for Sick Children
Classification: Benign for Connective tissue disorder. Last evaluated: 2022-04-04. Review status: criteria provided, single submitter. Criteria: ACMG Guidelines, 2015. Collection method: clinical testing. Allele origin: germline.

Ambry Genetics
Classification: Likely benign for Inborn genetic diseases. Last evaluated: 2019-07-11. Review status: criteria provided, single submitter. Criteria: Ambry Variant Classification Scheme 2023. Collection method: clinical testing. Allele origin: germline.

Athena Diagnostics
Classification: Benign. Last evaluated: 2018-09-04. Review status: criteria provided, single submitter. Criteria: Athena Diagnostics Criteria. Collection method: clinical testing. Allele origin: germline.

Illumina Laboratory Services, Illumina
Classification: Benign for Charcot-Marie-Tooth disease axonal type 2C. Last evaluated: 2018-01-13. Review status: criteria provided, single submitter. Criteria: ICSL Variant Classification Criteria 13 December 2019. Collection method: clinical testing. Allele origin: germline.
Comment: This variant was observed in the ICSL laboratory as part of a predisposition screen in an ostensibly healthy population. It had not been previously curated by ICSL or reported in the Human Gene Mutation Database (HGMD: prior to June 1st, 2018), and was therefore a candidate for classification through an automated scoring system. Utilizing variant allele frequency, disease prevalence and penetrance estimates, and inheritance mode, an automated score was calculated to assess if this variant is too frequent to cause the disease. Based on the score and internal cut-off values, a variant classified as benign is not then subjected to further curation. The score for this variant resulted in a classification of benign for this disease.

Illumina Laboratory Services, Illumina
Classification: Benign for Metatropic dysplasia. Last evaluated: 2018-01-13. Review status: criteria provided, single submitter. Criteria: ICSL Variant Classification Criteria 13 December 2019. Collection method: clinical testing. Allele origin: germline.
Comment: the same text as in the submission from Illumina Laboratory Services, Illumina above.

Illumina Laboratory Services, Illumina
Classification: Benign for Brachyrachia (short spine dysplasia). Last evaluated: 2018-01-13. Review status: criteria provided, single submitter. Criteria: ICSL Variant Classification Criteria 13 December 2019. Collection method: clinical testing. Allele origin: germline.
Comment: the same text as in the submission from Illumina Laboratory Services, Illumina above.

Illumina Laboratory Services, Illumina
Classification: Benign for Spondylometaphyseal dysplasia, Kozlowski type. Last evaluated: 2018-01-13. Review status: criteria provided, single submitter. Criteria: ICSL Variant Classification Criteria 13 December 2019. Collection method: clinical testing. Allele origin: germline.
Comment: the same text as in the submission from Illumina Laboratory Services, Illumina above.

Illumina Laboratory Services, Illumina
Classification: Benign for Neuronopathy, distal hereditary motor, autosomal dominant 8. Last evaluated: 2018-01-13. Review status: criteria provided, single submitter. Criteria: ICSL Variant Classification Criteria 13 December 2019. Collection method: clinical testing. Allele origin: germline.
Comment: the same text as in the submission from Illumina Laboratory Services, Illumina above.

Illumina Laboratory Services, Illumina
Classification: Benign for Scapuloperoneal spinal muscular atrophy. Last evaluated: 2018-01-13. Review status: criteria provided, single submitter. Criteria: ICSL Variant Classification Criteria 13 December 2019. Collection method: clinical testing. Allele origin: germline.
Comment: the same text as in the submission from Illumina Laboratory Services, Illumina above.

Mayo Clinic Laboratories, Mayo Clinic
Classification: Benign. Last evaluated: 2016-05-26. Review status: criteria provided, single submitter. Criteria: ACMG Guidelines, 2015. Collection method: clinical testing. Allele origin: germline. Observed: 23 variant alleles.

GeneDx
Classification: Benign. Last evaluated: 2015-03-03. Review status: criteria provided, single submitter. Criteria: GeneDx Variant Classification Process June 2021. Collection method: clinical testing. Allele origin: germline. Affected: yes.

Breakthrough Genomics
Classification: Benign. Review status: criteria provided, single submitter. Criteria: ACMG Guidelines, 2015. Collection method: not provided. Allele origin: germline. Inheritance: Autosomal dominant inheritance. Affected: yes.

Molecular Genetics Laboratory, London Health Sciences Centre
Classification: Benign for Charcot-Marie-Tooth disease. Review status: criteria provided, single submitter. Criteria: ACMG Guidelines, 2015. Collection method: clinical testing. Allele origin: germline. Affected: yes.

Clinical Genetics DNA and cytogenetics Diagnostics Lab, Erasmus MC, Erasmus Medical Center
Classification: Likely benign. Review status: no assertion criteria provided. Collection method: clinical testing. Allele origin: germline. Affected: yes. Study: VKGL Data-share Consensus. Not counted in ClinVar's aggregate classification.

Clinical Genetics, Academic Medical Center
Classification: Benign. Review status: no assertion criteria provided. Collection method: clinical testing. Allele origin: germline. Affected: yes. Study: VKGL Data-share Consensus. Not counted in ClinVar's aggregate classification.

Joint Genome Diagnostic Labs from Nijmegen and Maastricht, Radboudumc and MUMC+
Classification: Benign. Review status: no assertion criteria provided. Collection method: clinical testing. Allele origin: germline. Affected: yes. Study: VKGL Data-share Consensus. Not counted in ClinVar's aggregate classification.

Literature cited by the submitters: PubMed 22851605 (cited by Athena Diagnostics).

NM_021625.5(TRPV4):c.810G>A (p.Gly270=)

Gene: TRPV4 (transient receptor potential cation channel subfamily V member 4; minus strand). Cytogenetic location: 12q24.11.
Variant type: single nucleotide variant.
Coding change: c.810G>A on transcript NM_021625.5 (MANE Select); coding-DNA position 810, G replaced by A.
Protein change: p.Gly270=; no amino-acid change (glycine 270 retained).
Molecular consequence: synonymous variant. On other transcripts: intron variant (2).
Genome position (GRCh38, 1-based): chr12:109,800,661, C>T on the plus strand (G>A on the coding strand, the complement: TRPV4 is on the minus strand). VCF-style: chr12-109800661-C-T. GRCh37 (hg19) VCF-style: chr12-110238466-C-T.
Other names: p.Gly270=; c.708G>A, p.Gly236= (NM_001177431.2); c.810G>A, p.Gly270= (NM_147204.3); c.713-1749G>A (NM_001177433.1, NM_001177428.1).
Identifiers: ClinVar variation 220190 (VCV000220190.68), dbSNP rs147558344, ClinGen allele CA349122.